The following is an entry in ClinVar:

NM_152703.5(SAMD9L):c.5G>T (p.Ser2Ile)

Gene: SAMD9L (sterile alpha motif domain containing 9 like; minus strand). Cytogenetic location: 7q21.2.
Variant type: single nucleotide variant.
Coding change: c.5G>T on transcript NM_152703.5 (MANE Select); coding-DNA position 5, G replaced by T.
Protein change: p.Ser2Ile; replaces serine 2 with isoleucine.
Molecular consequence: missense variant.
Genome position (GRCh38, 1-based): chr7:93,135,967, C>A on the plus strand (G>T on the coding strand, the complement: SAMD9L is on the minus strand). VCF-style: chr7-93135967-C-A. GRCh37 (hg19) VCF-style: chr7-92765280-C-A.
Other names: c.5G>T, p.Ser2Ile (NM_001303496.3, NM_001303497.3, NM_001303498.3 and 5 more transcripts); short protein forms S2I.
Identifiers: ClinVar variation 3792281 (VCV003792281.1).

ClinVar aggregate classification (germline): Uncertain significance (1 of 4 stars; one submission).

Conditions:
Inborn genetic diseases. Identifiers: MedGen C0950123, MeSH D030342.

Submission:

Ambry Genetics
Classification: Uncertain significance for Inborn genetic diseases. Last evaluated: 2025-01-06. Review status: criteria provided, single submitter. Criteria: Ambry Variant Classification Scheme 2023. Collection method: clinical testing. Allele origin: germline.
Comment: The p.S2I variant (also known as c.5G>T), located in coding exon 1 of the SAMD9L gene, results from a G to T substitution at nucleotide position 5. The serine at codon 2 is replaced by isoleucine, an amino acid with dissimilar properties. This amino acid position is conserved. In addition, this alteration is predicted to be tolerated by in silico analysis. Based on the available evidence, the clinical significance of this variant remains unclear.